The following is an entry in ClinVar:

ClinVar aggregate classification (germline): Uncertain significance (1 of 4 stars; one submission).

Conditions:
Hereditary cancer-predisposing syndrome. Also called: Neoplastic Syndromes, Hereditary; Tumor predisposition; Hereditary Cancer Syndrome; Hereditary neoplastic syndrome. Identifiers: Orphanet 140162, MedGen C0027672, MeSH D009386, MONDO:0015356.

gnomAD v4.1: 1 of 1,613,422 alleles (0.000062%); highest among the groups gnomAD compares: Non-Finnish European, 0.000085%; no homozygotes.

Submission:

Ambry Genetics
Classification: Uncertain significance for Hereditary cancer-predisposing syndrome. Last evaluated: 2026-02-16. Review status: criteria provided, single submitter. Criteria: Ambry Variant Classification Scheme 2023. Collection method: clinical testing. Allele origin: germline.
Comment: The p.D1615E variant (also known as c.4845C>G), located in coding exon 37 of the POLE gene, results from a C to G substitution at nucleotide position 4845. The aspartic acid at codon 1615 is replaced by glutamic acid, an amino acid with highly similar properties. This amino acid position is conserved. In addition, the in silico prediction for this alteration is inconclusive. Based on the available evidence, the clinical significance of this variant remains unclear.

NM_006231.4(POLE):c.4845C>G (p.Asp1615Glu)

Gene: POLE (DNA polymerase epsilon, catalytic subunit; minus strand). Cytogenetic location: 12q24.33.
Variant type: single nucleotide variant.
Coding change: c.4845C>G on transcript NM_006231.4 (MANE Select); coding-DNA position 4845, C replaced by G.
Protein change: p.Asp1615Glu; replaces aspartic acid 1615 with glutamic acid.
Molecular consequence: missense variant.
Genome position (GRCh38, 1-based): chr12:132,642,613, G>C on the plus strand (C>G on the coding strand, the complement: POLE is on the minus strand). VCF-style: chr12-132642613-G-C. GRCh37 (hg19) VCF-style: chr12-133219199-G-C.
Other names: short protein forms D1615E.
Identifiers: ClinVar variation 4844282 (VCV004844282.1).